The following is an entry in ClinVar:

ClinVar aggregate classification (germline): Uncertain significance. Review status: criteria provided, multiple submitters, no conflicts (2 of 4 stars). 2 submissions from 2 submitters: Uncertain significance (2). Last evaluated 2024-02-29.

Conditions:
3-methylglutaconic aciduria, type VIIB (MGCA7B). Also called: 3-methylglutaconic aciduria, type VII, with cataracts, neurologic involvement and neutropenia; CLPB Deficiency; 3-methylglutaconic aciduria with cataracts, neurologic involvement and neutropenia. Identifiers: Orphanet 445038, MedGen C5676893, MONDO:0014561, OMIM 616271.

Allele frequency attached by ClinVar (database versions not stated): gnomAD exomes below 0.00001; gnomAD 0.00001; TOPMed 0.00001.
gnomAD v4.1: 4 of 1,613,924 alleles (0.00025%); highest among the groups gnomAD compares: East Asian, 0.0022%; no homozygotes.

Submissions (2):

Labcorp Genetics (formerly Invitae), Labcorp
Classification: Uncertain significance for 3-methylglutaconic aciduria, type VIIB. Last evaluated: 2024-02-29. Review status: criteria provided, single submitter. Criteria: Invitae Variant Classification Sherloc (09022015). Collection method: clinical testing. Allele origin: germline.
Comment: This sequence change replaces isoleucine, which is neutral and non-polar, with threonine, which is neutral and polar, at codon 484 of the CLPB protein (p.Ile484Thr). This variant is present in population databases (rs770073084, gnomAD 0.005%). This variant has not been reported in the literature in individuals affected with CLPB-related conditions. ClinVar contains an entry for this variant (Variation ID: 915353). An algorithm developed to predict the effect of missense changes on protein structure and function (PolyPhen-2) suggests that this variant is likely to be disruptive. In summary, the available evidence is currently insufficient to determine the role of this variant in disease. Therefore, it has been classified as a Variant of Uncertain Significance.

Genomic Research Center, Shahid Beheshti University of Medical Sciences
Classification: Uncertain significance for 3-methylglutaconic aciduria, type VIIB. Last evaluated: 2020-05-03. Review status: criteria provided, single submitter. Criteria: ACMG Guidelines, 2015. Collection method: clinical testing. Allele origin: unknown. Affected: yes.

NM_001258392.3(CLPB):c.1361T>C (p.Ile454Thr)

Gene: CLPB (ClpB family mitochondrial disaggregase; minus strand). Cytogenetic location: 11q13.4.
Variant type: single nucleotide variant.
Coding change: c.1361T>C on transcript NM_001258392.3 (MANE Select); coding-DNA position 1361, T replaced by C.
Protein change: p.Ile454Thr; replaces isoleucine 454 with threonine.
Molecular consequence: missense variant.
Genome position (GRCh38, 1-based): chr11:72,295,617, A>G on the plus strand (T>C on the coding strand, the complement: CLPB is on the minus strand). VCF-style: chr11-72295617-A-G. GRCh37 (hg19) VCF-style: chr11-72006661-A-G.
Other names: c.1316T>C, p.Ile439Thr (NM_001258394.3); c.1451T>C, p.Ile484Thr (NM_030813.6); c.1274T>C, p.Ile425Thr (NM_001258393.3); short protein forms I425T, I454T, I484T, I439T.
Identifiers: ClinVar variation 915353 (VCV000915353.8), dbSNP rs770073084, ClinGen allele CA224386426.
Genomic context (GRCh38, chr11:72,295,617, plus strand): 5'-TGTGCGATCTCGTCGCTGGCCACATTGGAGGTCATGATGAAGATGGCGTCCTTGCAATCA[A>G]TGGTCTTCCCTTTTCCATCTGTCAGCCGGCCCTGGGAAGGGAAGGAAGGGAGTGTACAGT-3'
Protein context (NP_001245321.1, residues 444-464): GRLTDGKGKT[Ile454Thr]DCKDAIFIMT